The following is an entry in ClinVar:

NM_001165963.4(SCN1A):c.4288A>T (p.Thr1430Ser)

Genes: SCN1A (sodium voltage-gated channel alpha subunit 1; minus strand), LOC102724058 (uncharacterized LOC102724058; plus strand). Cytogenetic location: 2q24.3.
Variant type: single nucleotide variant.
Coding change: c.4288A>T on transcript NM_001165963.4 (MANE Select); coding-DNA position 4288, A replaced by T.
Protein change: p.Thr1430Ser; replaces threonine 1430 with serine.
Molecular consequence: missense variant. On other transcripts: non-coding transcript variant (1).
Genome position (GRCh38, 1-based): chr2:165,999,773, T>A on the plus strand (A>T on the coding strand, the complement: SCN1A is on the minus strand). VCF-style: chr2-165999773-T-A. GRCh37 (hg19) VCF-style: chr2-166856283-T-A.
Other names: c.4204A>T, p.Thr1402Ser (NM_001165964.3, NM_001353957.2, NM_001353958.2); c.4288A>T, p.Thr1430Ser (NM_001202435.3, NM_001353948.2); c.4255A>T, p.Thr1419Ser (NM_001353949.2, NM_001353950.2, NM_001353951.2 and 2 more transcripts); c.4252A>T, p.Thr1418Ser (NM_001353954.2, NM_001353955.2); c.4201A>T, p.Thr1401Ser (NM_001353960.2); c.1846A>T, p.Thr616Ser (NM_001353961.2); short protein forms T616S, T1401S, T1402S, T1430S, T1418S, T1419S.
Identifiers: ClinVar variation 2012859 (VCV002012859.4), dbSNP rs2468408953, ClinGen allele CA349049638.

ClinVar aggregate classification (germline): Uncertain significance (1 of 4 stars; one submission).

Conditions:
Early-infantile DEE. Also called: Early infantile epileptic encephalopathy; Ohtahara syndrome; Early infantile epileptic encephalopathy with suppression bursts. Identifiers: Orphanet 1934, MedGen C0393706, MONDO:0800491.

Submission:

Labcorp Genetics (formerly Invitae), Labcorp
Classification: Uncertain significance for Early-infantile DEE. Last evaluated: 2022-07-01. Review status: criteria provided, single submitter. Criteria: Invitae Variant Classification Sherloc (09022015). Collection method: clinical testing. Allele origin: germline.
Comment: This sequence change replaces threonine, which is neutral and polar, with serine, which is neutral and polar, at codon 1430 of the SCN1A protein (p.Thr1430Ser). In summary, the available evidence is currently insufficient to determine the role of this variant in disease. Therefore, it has been classified as a Variant of Uncertain Significance. Advanced modeling of protein sequence and biophysical properties (such as structural, functional, and spatial information, amino acid conservation, physicochemical variation, residue mobility, and thermodynamic stability) performed at Invitae indicates that this missense variant is expected to disrupt SCN1A protein function. This variant has not been reported in the literature in individuals affected with SCN1A-related conditions. This variant is not present in population databases (gnomAD no frequency).